The following is an entry in ClinVar:

NM_001267550.2(TTN):c.91915C>G (p.Leu30639Val)

Genes: TTN (titin; minus strand), TTN-AS1 (TTN antisense RNA 1; plus strand). Cytogenetic location: 2q31.2.
Variant type: single nucleotide variant.
Coding change: c.91915C>G on transcript NM_001267550.2 (MANE Select); coding-DNA position 91915, C replaced by G.
Protein change: p.Leu30639Val; replaces leucine 30639 with valine.
Molecular consequence: missense variant.
Genome position (GRCh38, 1-based): chr2:178,549,807, G>C on the plus strand (C>G on the coding strand, the complement: TTN is on the minus strand). VCF-style: chr2-178549807-G-C. GRCh37 (hg19) VCF-style: chr2-179414534-G-C.
Other names: c.86992C>G, p.Leu28998Val (NM_001256850.1); c.64720C>G, p.Leu21574Val (NM_003319.4); c.84211C>G, p.Leu28071Val (NM_133378.4); c.65095C>G, p.Leu21699Val (NM_133432.3); c.65296C>G, p.Leu21766Val (NM_133437.4); short protein forms L21574V, L28071V, L21699V, L21766V, L30639V, L28998V.
Identifiers: ClinVar variation 1386066 (VCV001386066.8), dbSNP rs373049260, ClinGen allele CA1987532.

ClinVar aggregate classification (germline): Uncertain significance (1 of 4 stars; one submission).

Conditions:
Dilated cardiomyopathy 1G (CMD1G). Identifiers: Orphanet 154, MedGen C1858763, MONDO:0011400, OMIM 604145.
Autosomal recessive limb-girdle muscular dystrophy type 2J (LGMDR10). Also called: Limb-girdle muscular dystrophy, type 2J; MUSCULAR DYSTROPHY, LIMB-GIRDLE, AUTOSOMAL RECESSIVE 10. Identifiers: Orphanet 140922, MedGen C1837342, MONDO:0012127, OMIM 608807.

Allele frequency attached by ClinVar (database versions not stated): gnomAD exomes below 0.00001; ExAC 0.00001; gnomAD 0.00001; TOPMed 0.00001; ESP Exome Variant Server 0.00008.
gnomAD v4.1: 5 of 1,607,930 alleles (0.00031%); highest among the groups gnomAD compares: Non-Finnish European, 0.00043%; no homozygotes.

Submission:

Labcorp Genetics (formerly Invitae), Labcorp
Classification: Uncertain significance for Dilated cardiomyopathy 1G; Autosomal recessive limb-girdle muscular dystrophy type 2J. Last evaluated: 2024-10-29. Review status: criteria provided, single submitter. Criteria: Invitae Variant Classification Sherloc (09022015). Collection method: clinical testing. Allele origin: germline.
Comment: This sequence change replaces leucine, which is neutral and non-polar, with valine, which is neutral and non-polar, at codon 30639 of the TTN protein (p.Leu30639Val). This variant is present in population databases (rs373049260, gnomAD 0.0009%). This variant has not been reported in the literature in individuals affected with TTN-related conditions. ClinVar contains an entry for this variant (Variation ID: 1386066). Experimental studies and prediction algorithms are not available or were not evaluated, and the functional significance of this variant is currently unknown. This variant is located in the A band of TTN (PMID: 25589632). Variants in this region may be relevant for cardiac or neuromuscular disorders (PMID: 25589632, 23975875). In summary, the available evidence is currently insufficient to determine the role of this variant in disease. Therefore, it has been classified as a Variant of Uncertain Significance.

Literature cited by the submitters: PubMed 25589632; PubMed 23975875.